The following is an entry in ClinVar:

ClinVar aggregate classification (germline): Uncertain significance (1 of 4 stars; one submission).

Submission:

GeneDx
Classification: Uncertain significance. Last evaluated: 2022-05-25. Review status: criteria provided, single submitter. Criteria: GeneDx Variant Classification Process June 2021. Collection method: clinical testing. Allele origin: germline. Affected: yes.
Comment: Not observed at significant frequency in large population cohorts (gnomAD); In silico analysis supports that this missense variant has a deleterious effect on protein structure/function; Has not been previously published as pathogenic or benign to our knowledge

NM_005445.4(SMC3):c.1648G>T (p.Val550Leu)

Gene: SMC3 (structural maintenance of chromosomes 3; plus strand). Cytogenetic location: 10q25.2.
Variant type: single nucleotide variant.
Coding change: c.1648G>T on transcript NM_005445.4 (MANE Select); coding-DNA position 1648, G replaced by T.
Protein change: p.Val550Leu; replaces valine 550 with leucine.
Molecular consequence: missense variant.
Genome position (GRCh38, 1-based): chr10:110,590,550, G>T. VCF-style: chr10-110590550-G-T. GRCh37 (hg19) VCF-style: chr10-112350308-G-T.
Other names: short protein forms V550L.
Identifiers: ClinVar variation 1800952 (VCV001800952.1), dbSNP rs2493127556, ClinGen allele CA378389300.